The following is an entry in ClinVar:

ClinVar aggregate classification (germline): Uncertain significance (1 of 4 stars; one submission).

Conditions:
Naxos disease (NXD). Also called: KERATOSIS PALMOPLANTARIS WITH ARRHYTHMOGENIC CARDIOMYOPATHY; MAL DE NAXOS; PALMOPLANTAR KERATODERMA WITH ARRHYTHMOGENIC RIGHT VENTRICULAR CARDIOMYOPATHY AND WOOLLY HAIR; WOOLLY HAIR, PALMOPLANTAR KERATODERMA, AND CARDIAC ABNORMALITIES; CARDIOMYOPATHY, ARRHYTHMOGENIC RIGHT VENTRICULAR, WITH SKIN, HAIR, AND NAIL ABNORMALITIES. Identifiers: Orphanet 34217, MedGen C1832600, MONDO:0011017, OMIM 601214.
Arrhythmogenic right ventricular dysplasia 12. Also called: ARRHYTHMOGENIC RIGHT VENTRICULAR DYSPLASIA, FAMILIAL, 12. Identifiers: MedGen C1969081, MONDO:0012684, OMIM 611528.

Allele frequency attached by ClinVar (database versions not stated): ESP Exome Variant Server 0.00008.
gnomAD v4.1: 20 of 1,611,930 alleles (0.0012%); highest among the groups gnomAD compares: Non-Finnish European, 0.0016%; no homozygotes.

Submission:

Labcorp Genetics (formerly Invitae), Labcorp
Classification: Uncertain significance for Arrhythmogenic right ventricular dysplasia 12; Naxos disease. Last evaluated: 2026-02-02. Review status: criteria provided, single submitter. Criteria: Invitae Variant Classification Sherloc (09022015). Collection method: clinical testing. Allele origin: germline.
Comment: This sequence change replaces valine, which is neutral and non-polar, with leucine, which is neutral and non-polar, at codon 190 of the JUP protein (p.Val190Leu). This variant is present in population databases (rs370143312, gnomAD 0.003%). This variant has not been reported in the literature in individuals affected with JUP-related conditions. ClinVar contains an entry for this variant (Variation ID: 581839). An algorithm developed to predict the effect of missense changes on protein structure and function (PolyPhen-2) suggests that this variant is likely to be tolerated. In summary, the available evidence is currently insufficient to determine the role of this variant in disease. Therefore, it has been classified as a Variant of Uncertain Significance.

NM_002230.4(JUP):c.568G>T (p.Val190Leu)

Gene: JUP (junction plakoglobin; minus strand). Cytogenetic location: 17q21.2.
Variant type: single nucleotide variant.
Coding change: c.568G>T on transcript NM_002230.4 (MANE Select); coding-DNA position 568, G replaced by T.
Protein change: p.Val190Leu; replaces valine 190 with leucine.
Molecular consequence: missense variant.
Genome position (GRCh38, 1-based): chr17:41,769,108, C>A on the plus strand (G>T on the coding strand, the complement: JUP is on the minus strand). VCF-style: chr17-41769108-C-A. GRCh37 (hg19) VCF-style: chr17-39925360-C-A.
Other names: c.568G>T, p.Val190Leu (NM_001352773.2, NM_001352774.2, NM_001352775.2 and 3 more transcripts); short protein forms V190L.
Identifiers: ClinVar variation 581839 (VCV000581839.10), dbSNP rs370143312, ClinGen allele CA8565443.